The following is an entry in ClinVar:

ClinVar aggregate classification (germline): Conflicting classifications of pathogenicity. Review status: criteria provided, conflicting classifications (1 of 4 stars). 6 submissions from 5 submitters: Uncertain significance (2); Likely benign (4). Last evaluated 2025-12-29.

Conditions:
Cardioencephalomyopathy, fatal infantile, due to cytochrome c oxidase deficiency 1 (MC4DN2). Also called: CYTOCHROME c OXIDASE DEFICIENCY, FATAL INFANTILE, WITH CARDIOENCEPHALOMYOPATHY; MITOCHONDRIAL COMPLEX IV DEFICIENCY, NUCLEAR TYPE 2. Identifiers: Orphanet 1561, MedGen C5399977, MONDO:0011451, OMIM 604377.
Mitochondrial complex IV deficiency, nuclear type 1 (MC4DN1). Also called: Complex 4 mitochondrial respiratory chain deficiency; Deficiency of mitochondrial respiratory chain complex4; Complex IV deficiency; COX DEFICIENCY; Mitochondrial complex IV deficiency. Identifiers: MedGen C5435656, MONDO:0700250, OMIM 220110. Disease mechanism: loss of function.

Allele frequency attached by ClinVar (database versions not stated): gnomAD exomes 0.00007; TOPMed 0.00009; ExAC 0.00010; gnomAD 0.00010; ESP Exome Variant Server 0.00031.
gnomAD v4.1: 291 of 1,605,592 alleles (0.018%); highest among the groups gnomAD compares: Non-Finnish European, 0.023%; 1 homozygote.

Submissions (6):

Labcorp Genetics (formerly Invitae), Labcorp
Classification: Likely benign. Last evaluated: 2025-12-29. Review status: criteria provided, single submitter. Criteria: Invitae Variant Classification Sherloc (09022015). Collection method: clinical testing. Allele origin: germline.

CeGaT Center for Human Genetics Tuebingen
Classification: Likely benign. Last evaluated: 2025-07-01. Review status: criteria provided, single submitter. Criteria: CeGaT Center For Human Genetics Tuebingen Variant Classification Criteria Version 2. Collection method: clinical testing. Allele origin: germline. Affected: yes. Observed: 1 variant allele.
Comment: SCO2: BP4, BP7

Mayo Clinic Laboratories, Mayo Clinic
Classification: Likely benign. Last evaluated: 2025-01-13. Review status: criteria provided, single submitter. Criteria: ACMG Guidelines, 2015. Collection method: clinical testing. Allele origin: germline. Observed: 1 variant allele.
Comment: BP4, BP7

Blueprint Genetics
Classification: Likely benign. Last evaluated: 2024-10-08. Review status: criteria provided, single submitter. Criteria: ACMG Guidelines, 2015. Collection method: clinical testing. Allele origin: germline.

Illumina Laboratory Services, Illumina
Classification: Uncertain significance for Cardioencephalomyopathy, fatal infantile, due to cytochrome c oxidase deficiency 1. Last evaluated: 2018-01-13. Review status: criteria provided, single submitter. Criteria: ICSL Variant Classification Criteria 13 December 2019. Collection method: clinical testing. Allele origin: germline.

Illumina Laboratory Services, Illumina
Classification: Uncertain significance for Mitochondrial complex IV deficiency, nuclear type 1. Last evaluated: 2018-01-13. Review status: criteria provided, single submitter. Criteria: ICSL Variant Classification Criteria 13 December 2019. Collection method: clinical testing. Allele origin: germline.

NM_005138.3(SCO2):c.162C>T (p.Gly54=)

Genes: NCAPH2 (non-SMC condensin II complex subunit H2; plus strand), SCO2 (synthesis of cytochrome C oxidase 2; minus strand). Cytogenetic location: 22q13.33.
Variant type: single nucleotide variant.
Coding change: c.162C>T on transcript NM_005138.3 (MANE Select); coding-DNA position 162, C replaced by T.
Protein change: p.Gly54=; no amino-acid change (glycine 54 retained).
Molecular consequence: synonymous variant. On other transcripts: 3 prime UTR variant (2).
Genome position (GRCh38, 1-based): chr22:50,524,250, G>A on the plus strand (C>T on the coding strand, the complement: SCO2 is on the minus strand). VCF-style: chr22-50524250-G-A. GRCh37 (hg19) VCF-style: chr22-50962679-G-A.
Other names: p.Gly54=; c.*875G>A (NM_001185011.2, NM_152299.4); c.162C>T, p.Gly54= (NM_001169109.2, NM_001169110.1, NM_001169111.2).
Identifiers: ClinVar variation 342127 (VCV000342127.22), dbSNP rs139545104, ClinGen allele CA10321282.